The following is an entry in ClinVar:

ClinVar aggregate classification (germline): Uncertain significance (1 of 4 stars; one submission).

Submission:

Labcorp Genetics (formerly Invitae), Labcorp
Classification: Uncertain significance. Last evaluated: 2024-06-26. Review status: criteria provided, single submitter. Criteria: Invitae Variant Classification Sherloc (09022015). Collection method: clinical testing. Allele origin: germline.
Comment: This sequence change replaces proline, which is neutral and non-polar, with serine, which is neutral and polar, at codon 501 of the ZMIZ1 protein (p.Pro501Ser). This variant is not present in population databases (gnomAD no frequency). This variant has not been reported in the literature in individuals affected with ZMIZ1-related conditions. Advanced modeling of protein sequence and biophysical properties (such as structural, functional, and spatial information, amino acid conservation, physicochemical variation, residue mobility, and thermodynamic stability) performed at Invitae indicates that this missense variant is not expected to disrupt ZMIZ1 protein function with a negative predictive value of 80%. In summary, the available evidence is currently insufficient to determine the role of this variant in disease. Therefore, it has been classified as a Variant of Uncertain Significance.

NM_020338.4(ZMIZ1):c.1501C>T (p.Pro501Ser)

Gene: ZMIZ1 (zinc finger MIZ-type containing 1; plus strand). Cytogenetic location: 10q22.3.
Variant type: single nucleotide variant.
Coding change: c.1501C>T on transcript NM_020338.4 (MANE Select); coding-DNA position 1501, C replaced by T.
Protein change: p.Pro501Ser; replaces proline 501 with serine.
Molecular consequence: missense variant.
Genome position (GRCh38, 1-based): chr10:79,298,415, C>T. VCF-style: chr10-79298415-C-T. GRCh37 (hg19) VCF-style: chr10-81058172-C-T.
Other names: short protein forms P501S.
Identifiers: ClinVar variation 2771098 (VCV002771098.3), dbSNP rs2492113797, ClinGen allele CA377337096.